The following is an entry in ClinVar:

ClinVar aggregate classification (germline): Uncertain significance. Review status: criteria provided, multiple submitters, no conflicts (2 of 4 stars). 2 submissions from 2 submitters: Uncertain significance (2). Last evaluated 2025-07-09.

Conditions:
Epidermolysis bullosa simplex 5B, with muscular dystrophy (EBS5B). Also called: EPIDERMOLYSIS BULLOSA SIMPLEX AND LIMB-GIRDLE MUSCULAR DYSTROPHY; Epidermolysis bullosa simplex with muscular dystrophy. Identifiers: Orphanet 257, MedGen C2931072, MONDO:0009181, OMIM 226670.
Epidermolysis bullosa simplex, Ogna type (EBS5A). Also called: Pidermolysis bullosa simplex 5A, Ogna type; EPIDERMOLYSIS BULLOSA SIMPLEX 5A, OGNA TYPE. Identifiers: Orphanet 79401, MedGen C0432317, MONDO:0007555, OMIM 131950.
Epidermolysis bullosa simplex 5C, with pyloric atresia (EBS5C). Also called: PLEC-Related Epidermolysis Bullosa with Pyloric Atresia; Epidermolysis bullosa simplex with pyloric atresia; PLEC1-Related Epidermolysis Bullosa with Pyloric Atresia. Identifiers: Orphanet 158684, MedGen C2677349, MONDO:0012807, OMIM 612138.
Autosomal recessive limb-girdle muscular dystrophy type 2Q (LGMDR17). Also called: MUSCULAR DYSTROPHY, LIMB-GIRDLE, AUTOSOMAL RECESSIVE 17. Identifiers: Orphanet 254361, MedGen C3150989, MONDO:0013390, OMIM 613723.
Epidermolysis bullosa simplex with nail dystrophy (EBS5D). Identifiers: MedGen C4225309, MONDO:0014661, OMIM 616487.
Inborn genetic diseases. Identifiers: MedGen C0950123, MeSH D030342.

Allele frequency attached by ClinVar (database versions not stated): gnomAD 0.00001; gnomAD exomes 0.00002; TOPMed 0.00002.
gnomAD v4.1: 25 of 1,560,266 alleles (0.0016%); highest among the groups gnomAD compares: South Asian, 0.0046%; no homozygotes.

Submissions (2):

Labcorp Genetics (formerly Invitae), Labcorp
Classification: Uncertain significance for Autosomal recessive limb-girdle muscular dystrophy type 2Q; Epidermolysis bullosa simplex, Ogna type; Epidermolysis bullosa simplex with nail dystrophy; Epidermolysis bullosa simplex 5C, with pyloric atresia; Epidermolysis bullosa simplex 5B, with muscular dystrophy. Last evaluated: 2025-07-09. Review status: criteria provided, single submitter. Criteria: Invitae Variant Classification Sherloc (09022015). Collection method: clinical testing. Allele origin: germline.
Comment: This sequence change replaces arginine, which is basic and polar, with glutamine, which is neutral and polar, at codon 2115 of the PLEC protein (p.Arg2115Gln). The frequency data for this variant in the population databases is considered unreliable, as metrics indicate poor data quality at this position in the gnomAD database. This variant has not been reported in the literature in individuals affected with PLEC-related conditions. ClinVar contains an entry for this variant (Variation ID: 2050266). An algorithm developed to predict the effect of missense changes on protein structure and function (PolyPhen-2) suggests that this variant is likely to be tolerated. In summary, the available evidence is currently insufficient to determine the role of this variant in disease. Therefore, it has been classified as a Variant of Uncertain Significance.

Ambry Genetics
Classification: Uncertain significance for Inborn genetic diseases. Last evaluated: 2023-12-01. Review status: criteria provided, single submitter. Criteria: Ambry Variant Classification Scheme 2023. Collection method: clinical testing. Allele origin: germline.

NM_201384.3(PLEC):c.6263G>A (p.Arg2088Gln)

Gene: PLEC (plectin; minus strand). Cytogenetic location: 8q24.3.
Variant type: single nucleotide variant.
Coding change: c.6263G>A on transcript NM_201384.3 (MANE Select); coding-DNA position 6263, G replaced by A.
Protein change: p.Arg2088Gln; replaces arginine 2088 with glutamine.
Molecular consequence: missense variant.
Genome position (GRCh38, 1-based): chr8:143,923,666, C>T on the plus strand (G>A on the coding strand, the complement: PLEC is on the minus strand). VCF-style: chr8-143923666-C-T. GRCh37 (hg19) VCF-style: chr8-144997834-C-T.
Other names: c.6344G>A, p.Arg2115Gln (NM_000445.5); c.6221G>A, p.Arg2074Gln (NM_201378.4); c.6197G>A, p.Arg2066Gln (NM_201379.3); c.6674G>A, p.Arg2225Gln (NM_201380.4); c.6167G>A, p.Arg2056Gln (NM_201381.3); c.6263G>A, p.Arg2088Gln (NM_201382.4); c.6275G>A, p.Arg2092Gln (NM_201383.3); c.6344G>A (NM_000445.3); short protein forms R2074Q, R2115Q, R2066Q, R2092Q, R2056Q, R2088Q, R2225Q.
Identifiers: ClinVar variation 2050266 (VCV002050266.5), dbSNP rs782384064, ClinGen allele CA4926061.